The following is an entry in ClinVar:

ClinVar aggregate classification (germline): Pathogenic/Likely pathogenic. Review status: criteria provided, multiple submitters, no conflicts (2 of 4 stars). 8 submissions from 8 submitters: Pathogenic (7); Likely pathogenic (1). Last evaluated 2026-08-05.

Conditions:
Rare genetic deafness. Identifiers: Orphanet 96210, MedGen C5680250.
GPSM2-related disorder. Also called: GPSM2-related condition; GPSM2-related disorders.
Chudley-McCullough syndrome (CMCS). Also called: DEAFNESS, SENSORINEURAL, WITH PARTIAL AGENESIS OF THE CORPUS CALLOSUM AND ARACHNOID CYSTS; Deafness, autosomal recessive 82. Identifiers: Orphanet 314597, MedGen C1858695, MONDO:0011411, OMIM 604213.

Allele frequency attached by ClinVar (database versions not stated): ESP Exome Variant Server 0.00008; gnomAD exomes 0.00009 and 0.00006; ExAC 0.00003; gnomAD 0.00003 and 0.00004; TOPMed 0.00003.

Submissions (8):

PreventionGenetics, part of Exact Sciences
Classification: Pathogenic for GPSM2-related condition. Last evaluated: 2026-08-05. Review status: criteria provided, single submitter. Criteria: ACMG Guidelines, 2015. Collection method: clinical testing. Allele origin: germline.
Comment: The GPSM2 c.1492C>T variant is predicted to result in premature protein termination (p.Arg498*). This variant was reported in the compound heterozygous or homozygous states in individuals with Chudley-McCullough syndrome or hearing loss, and segregated with disease in one family (Diaz-Horta et al. 2012. PubMed ID: 22987632; Table S2B, Abu Rayyan et al. 2020. PubMed ID: 32747562). This variant is reported in 0.010% of alleles in individuals of European (Non-Finnish) descent in gnomAD. Nonsense variants in GPSM2 are expected to be pathogenic. This variant is interpreted as pathogenic.

Labcorp Genetics (formerly Invitae), Labcorp
Classification: Pathogenic. Last evaluated: 2024-12-30. Review status: criteria provided, single submitter. Criteria: Invitae Variant Classification Sherloc (09022015). Collection method: clinical testing. Allele origin: germline.
Comment: This sequence change creates a premature translational stop signal (p.Arg498*) in the GPSM2 gene. It is expected to result in an absent or disrupted protein product. Loss-of-function variants in GPSM2 are known to be pathogenic (PMID: 22578326, 22987632). This variant is present in population databases (rs370907055, gnomAD 0.01%). This premature translational stop signal has been observed in individual(s) with Chudley-McCullough syndrome (PMID: 22987632). It has also been observed to segregate with disease in related individuals. ClinVar contains an entry for this variant (Variation ID: 504591). Algorithms developed to predict the effect of sequence changes on RNA splicing suggest that this variant may disrupt the consensus splice site. For these reasons, this variant has been classified as Pathogenic.

Center for Statistical Genetics, Columbia University
Classification: Pathogenic for Chudley-McCullough syndrome. Last evaluated: 2024-11-08. Review status: criteria provided, single submitter. Criteria: ACMG Guidelines, 2015. Collection method: research. Allele origin: germline. Inheritance: Autosomal recessive inheritance. Affected: yes. Observed: 3 homozygotes.

GeneDx
Classification: Pathogenic. Last evaluated: 2022-01-25. Review status: criteria provided, single submitter. Criteria: GeneDx Variant Classification Process June 2021. Collection method: clinical testing. Allele origin: germline. Affected: yes.
Comment: Nonsense variant predicted to result in protein truncation or nonsense mediated decay in a gene for which loss-of-function is a known mechanism of disease; Not observed at significant frequency in large population cohorts (gnomAD); This variant is associated with the following publications: (PMID: 27180139, 26445815, 31980526, 22987632, 32445360, 32747562)

Fulgent Genetics
Classification: Pathogenic for Chudley-McCullough syndrome. Last evaluated: 2021-10-09. Review status: criteria provided, single submitter. Criteria: ACMG Guidelines, 2015. Collection method: clinical testing. Allele origin: unknown.

King Laboratory, University of Washington
Classification: Pathogenic for Chudley-McCullough syndrome. Last evaluated: 2020-08-01. Review status: criteria provided, single submitter. Criteria: Abu Rayyan A et al. (Proc Natl Acad Sci U S A 2020). Collection method: research. Allele origin: germline. Affected: yes.
Comment: GPSM2 c.1492C>T leads to a stop at codon 498. It is absent from 1300 Palestinian controls and from public databases.

Illumina Laboratory Services, Illumina
Classification: Likely pathogenic for GPSM2-Related Disorders. Last evaluated: 2018-10-10. Review status: criteria provided, single submitter. Criteria: ICSL Variant Classification Criteria 09 May 2019. Collection method: clinical testing. Allele origin: germline.
Comment: The GPSM2 c.1492C>T (p.Arg498Ter) variant is a stop-gained variant predicted to result in premature termination of the protein. The p.Arg498Ter variant has been reported in two studies in which it has been identified in a total of three individuals with GPSM2-related disorders including in a homozygous state in one individual with a recessive form of profound nonsyndromic hearing loss and in a compound heterozygous state in two siblings with Chudley-McCullough syndrome (CMS) (Diaz-Horta et al. 2012; Sloan-Heggen et al. 2015). Control data are unavailable for this variant, which is reported at a frequency of 0.000111 in the European (non-Finnish) population of the Genome Aggregation Database. Based on the evidence and the potential impact of stop-gained variants, the p.Arg498Ter variant is classified as likely pathogenic for GPSM2-related disorders. This variant was observed by ICSL as part of a predisposition screen in an ostensibly healthy population.

Laboratory for Molecular Medicine, Mass General Brigham Personalized Medicine
Classification: Pathogenic for Rare genetic deafness. Last evaluated: 2016-12-06. Review status: criteria provided, single submitter. Criteria: LMM Criteria. Collection method: clinical testing. Allele origin: germline. Inheritance: Autosomal recessive inheritance. Observed: 1 variant allele.
Comment: This variant has been identified in 4/6 6726 European chromosomes by the Exome Aggregation Consortium (ExAC .; dbSNP rs370907055). Although this variant has been seen in the general population, its frequency is low enough to be consistent with a rece ssive carrier frequency. This nonsense variant leads to a premature termination codon at position 498, which is predicted to lead to a truncated or absent prote in. In summary, this variant meets criteria to be classified as pathogenic for C hudley-McCullough syndrome in an autosomal recessive manner.

Literature cited by the submitters: PubMed 22578326 (cited by Labcorp Genetics (formerly Invitae), Labcorp); PubMed 22987632 (cited by 3 submitters); PubMed 26445815 (cited by Illumina Laboratory Services, Illumina and Laboratory for Molecular Medicine, Mass General Brigham Personalized Medicine).

NM_013296.5(GPSM2):c.1492C>T (p.Arg498Ter)

Gene: GPSM2 (G protein signaling modulator 2; plus strand). Cytogenetic location: 1p13.3.
Variant type: single nucleotide variant.
Coding change: c.1492C>T on transcript NM_013296.5 (MANE Select); coding-DNA position 1492, C replaced by T.
Protein change: p.Arg498Ter; replaces arginine 498 with a stop codon.
Molecular consequence: nonsense.
Genome position (GRCh38, 1-based): chr1:108,922,468, C>T. VCF-style: chr1-108922468-C-T. GRCh37 (hg19) VCF-style: chr1-109465090-C-T.
Other names: NM_013296.4:c.1492C>T, p.(Arg498*); c.1492C>T, p.Arg498Ter (NM_001321038.2, NM_001321039.3); short protein forms R498*.
Identifiers: ClinVar variation 504591 (VCV000504591.19), dbSNP rs370907055, ClinGen allele CA983073.
Genomic context (GRCh38, chr1:108,922,468, plus strand): 5'-ATATTTTAGAAAATCAGTGCAGATACTATTGGAGATGAAGGGTTCTTTGACTTATTAAGC[C>T]GATTTCAAAGCAATAGGATGGATGATCAGAGATGTTGCTTACAAGAAAAGAACTGCCATA-3'